The following is an entry in ClinVar:

ClinVar aggregate classification (germline): Likely pathogenic. Review status: criteria provided, multiple submitters, no conflicts (2 of 4 stars). 5 submissions from 4 submitters: Likely pathogenic (3). 2 of the submissions do not count toward it. Last evaluated 2026-04-15.

Conditions:
Biliary, renal, neurologic, and skeletal syndrome (BRENS). Also called: BRENS SYNDROME. Identifiers: MedGen C5561990, MONDO:0859191, OMIM 619534.
Caroli disease. Identifiers: Orphanet 53035, MedGen C0162510, MONDO:0010913, OMIM 600643.

Allele frequency attached by ClinVar (database versions not stated): gnomAD exomes below 0.00001.
gnomAD v4.1: 2 of 1,613,652 alleles (0.00012%); highest among the groups gnomAD compares: Non-Finnish European, 0.000085%; no homozygotes.

Submissions (5):

Institute of Human Genetics, Heidelberg University
Classification: Likely pathogenic for Biliary, renal, neurologic, and skeletal syndrome. Last evaluated: 2026-04-15. Review status: criteria provided, single submitter. Criteria: ACMG Guidelines, 2015. Collection method: clinical testing. Allele origin: biparental. Affected: yes. Observed: 3 variant alleles.
Comment: PP1_strong, PS3_supp, PM2_supp, PM3

3billion
Classification: Likely pathogenic for Biliary, renal, neurologic, and skeletal syndrome. Last evaluated: 2025-03-19. Review status: criteria provided, single submitter. Criteria: ACMG Guidelines, 2015. Collection method: clinical testing. Allele origin: germline. Affected: yes.

Genomic Medicine Center of Excellence, King Faisal Specialist Hospital and Research Centre
Classification: Likely pathogenic for Biliary, renal, neurologic, and skeletal syndrome. Last evaluated: 2024-03-17. Review status: criteria provided, single submitter. Criteria: ACMG Guidelines, 2015. Collection method: research. Allele origin: germline.

OMIM
Classification: Pathogenic for BILIARY, RENAL, NEUROLOGIC, AND SKELETAL SYNDROME. Last evaluated: 2021-10-04. Review status: no assertion criteria provided. Collection method: literature only. Allele origin: germline. Not counted in ClinVar's aggregate classification.

Genomic Medicine Center of Excellence, King Faisal Specialist Hospital and Research Centre
Classification: Likely pathogenic for Caroli disease. Review status: no assertion criteria provided. Collection method: research. Allele origin: germline. Affected: yes. Not counted in ClinVar's aggregate classification.

Literature cited by the submitters: PubMed 31595528 (cited by OMIM); PubMed 32617964 (cited by OMIM).

NM_024926.4(IFT56):c.788A>G (p.Asn263Ser)

Gene: IFT56 (intraflagellar transport 56; plus strand). Cytogenetic location: 7q34.
Variant type: single nucleotide variant.
Coding change: c.788A>G on transcript NM_024926.4 (MANE Select); coding-DNA position 788, A replaced by G.
Protein change: p.Asn263Ser; replaces asparagine 263 with serine.
Molecular consequence: missense variant. On other transcripts: intron variant (1).
Genome position (GRCh38, 1-based): chr7:139,161,018, A>G. VCF-style: chr7-139161018-A-G. GRCh37 (hg19) VCF-style: chr7-138845764-A-G.
Other names: c.695A>G (NM_001321741.2); c.788A>G, p.Asn263Ser (NM_001144920.3, NM_001321740.2, NM_001321742.2); c.695A>G, p.Asn232Ser (NM_001144923.3); c.473A>G, p.Asn158Ser (NM_001287513.2); c.368A>G, p.Asn123Ser (NM_001318333.2); c.470A>G, p.Asn157Ser (NM_001321741.2); c.400-4114A>G (NM_001287512.2); short protein forms N123S, N157S, N158S, N232S, N263S.
Identifiers: ClinVar variation 917964 (VCV000917964.6), dbSNP rs1794039778, ClinGen allele CA369403777.